The following is an entry in ClinVar:

NM_014804.3(KIAA0753):c.184del (p.Lys61_Leu62insTer)

Gene: KIAA0753 (KIAA0753; minus strand). Cytogenetic location: 17p13.1.
Variant type: Deletion.
Coding change: c.184del on transcript NM_014804.3 (MANE Select); coding-DNA position 184, one base deleted (C; older notation c.184delC).
Protein change: p.Lys61_Leu62insTer.
Molecular consequence: nonsense. On other transcripts: 5 prime UTR variant (1), non-coding transcript variant (3).
Genome position (GRCh38, 1-based): chr17:6,628,651, G deleted on the plus strand (C on the coding strand, the reverse complement: KIAA0753 is on the minus strand). VCF-style (leftmost placement, unchanged base first): chr17-6628650-AG-A. GRCh37 (hg19) VCF-style: chr17-6531970-AG-A.
Other names: c.-1051del (NM_001351225.2); c.184del (NM_014804.2).
Identifiers: ClinVar variation 2045441 (VCV002045441.7), dbSNP rs746710591, ClinGen allele CA8330819.

ClinVar aggregate classification (germline): Conflicting classifications of pathogenicity. Review status: criteria provided, conflicting classifications (1 of 4 stars). 3 submissions from 3 submitters: Pathogenic (1); Likely pathogenic (1); Uncertain significance (1). Last evaluated 2025-09-16.

Conditions:
KIAA0753-related disorder.

Allele frequency attached by ClinVar (database versions not stated): ExAC 0.00001; gnomAD exomes 0.00001; gnomAD 0.00005; TOPMed 0.00006; ESP Exome Variant Server 0.00026.

Submissions (3):

GeneDx
Classification: Uncertain significance. Last evaluated: 2025-09-16. Review status: criteria provided, single submitter. Criteria: GeneDx Variant Classification Process June 2021. Collection method: clinical testing. Allele origin: germline. Affected: yes.
Comment: Nonsense variant predicted to result in protein truncation or nonsense mediated decay in a gene for which loss of function is a known mechanism of disease; Reported as an incidental finding in a proband from a cohort of patients undergoing clinical exome sequencing; clinical details and segregation data were not provided (PMID: 38523675); This variant is associated with the following publications: (PMID: 29138412, 38523675)

Labcorp Genetics (formerly Invitae), Labcorp
Classification: Pathogenic. Last evaluated: 2023-10-29. Review status: criteria provided, single submitter. Criteria: Invitae Variant Classification Sherloc (09022015). Collection method: clinical testing. Allele origin: germline.
Comment: This sequence change creates a premature translational stop signal (p.Leu62*) in the KIAA0753 gene. It is expected to result in an absent or disrupted protein product. Loss-of-function variants in KIAA0753 are known to be pathogenic (PMID: 29138412). This variant is present in population databases (rs746710591, gnomAD 0.02%). This variant has not been reported in the literature in individuals affected with KIAA0753-related conditions. ClinVar contains an entry for this variant (Variation ID: 2045441). Algorithms developed to predict the effect of sequence changes on RNA splicing suggest that this variant may disrupt the consensus splice site. For these reasons, this variant has been classified as Pathogenic.

Blueprint Genetics
Classification: Likely pathogenic for KIAA0753-related disorders. Last evaluated: 2021-11-03. Review status: criteria provided, single submitter. Criteria: ACMG Guidelines, 2015. Collection method: clinical testing. Allele origin: germline. Affected: yes. Observed: 1 variant allele.

Literature cited by the submitters: PubMed 29138412 (cited by Labcorp Genetics (formerly Invitae), Labcorp).